The following is an entry in ClinVar:

ClinVar aggregate classification (germline): Uncertain significance (1 of 4 stars; one submission).

Conditions:
Kabuki syndrome. Also called: NIIKAWA-KUROKI SYNDROME; Kabuki make-up syndrome. Identifiers: Orphanet 2322, MedGen C0796004, MONDO:0016512.

Allele frequency attached by ClinVar (database versions not stated): gnomAD exomes below 0.00001.
gnomAD v4.1: 1 of 1,613,750 alleles (0.000062%); highest among the groups gnomAD compares: Non-Finnish European, 0.000085%; no homozygotes.

Submission:

Labcorp Genetics (formerly Invitae), Labcorp
Classification: Uncertain significance for Kabuki syndrome. Last evaluated: 2023-12-19. Review status: criteria provided, single submitter. Criteria: Invitae Variant Classification Sherloc (09022015). Collection method: clinical testing. Allele origin: germline.
Comment: This sequence change replaces leucine, which is neutral and non-polar, with valine, which is neutral and non-polar, at codon 3677 of the KMT2D protein (p.Leu3677Val). This variant is not present in population databases (gnomAD no frequency). This variant has not been reported in the literature in individuals affected with KMT2D-related conditions. Advanced modeling of protein sequence and biophysical properties (such as structural, functional, and spatial information, amino acid conservation, physicochemical variation, residue mobility, and thermodynamic stability) performed at Invitae indicates that this missense variant is not expected to disrupt KMT2D protein function with a negative predictive value of 95%. In summary, the available evidence is currently insufficient to determine the role of this variant in disease. Therefore, it has been classified as a Variant of Uncertain Significance.

NM_003482.4(KMT2D):c.11029C>G (p.Leu3677Val)

Gene: KMT2D (lysine methyltransferase 2D; minus strand). Cytogenetic location: 12q13.12.
Variant type: single nucleotide variant.
Coding change: c.11029C>G on transcript NM_003482.4 (MANE Select); coding-DNA position 11029, C replaced by G.
Protein change: p.Leu3677Val; replaces leucine 3677 with valine.
Molecular consequence: missense variant.
Genome position (GRCh38, 1-based): chr12:49,033,676, G>C on the plus strand (C>G on the coding strand, the complement: KMT2D is on the minus strand). VCF-style: chr12-49033676-G-C. GRCh37 (hg19) VCF-style: chr12-49427459-G-C.
Other names: short protein forms L3677V.
Identifiers: ClinVar variation 2901647 (VCV002901647.3), dbSNP rs2498365448, ClinGen allele CA384724147.